The following is an entry in ClinVar:

ClinVar aggregate classification (germline): Likely benign (0 of 4 stars; one submission).

Conditions:
ALG8-related disorder.

Allele frequency attached by ClinVar (database versions not stated): gnomAD exomes below 0.00001.
gnomAD v4.1: 7 of 1,614,184 alleles (0.00043%); highest among the groups gnomAD compares: Non-Finnish European, 0.00059%; no homozygotes.

Submission:

PreventionGenetics, part of Exact Sciences
Classification: Likely benign for ALG8-related condition. Last evaluated: 2024-01-18. Review status: no assertion criteria provided. Collection method: clinical testing. Allele origin: germline.
Comment: This variant is classified as likely benign based on ACMG/AMP sequence variant interpretation guidelines (Richards et al. 2015 PMID: 25741868, with internal and published modifications).

NM_024079.5(ALG8):c.258T>C (p.Asp86=)

Gene: ALG8 (ALG8 alpha-1,3-glucosyltransferase; minus strand). Cytogenetic location: 11q14.1.
Variant type: single nucleotide variant.
Coding change: c.258T>C on transcript NM_024079.5 (MANE Select); coding-DNA position 258, T replaced by C.
Protein change: p.Asp86=; no amino-acid change (aspartic acid 86 retained).
Molecular consequence: synonymous variant.
Genome position (GRCh38, 1-based): chr11:78,124,131, A>G on the plus strand (T>C on the coding strand, the complement: ALG8 is on the minus strand). VCF-style: chr11-78124131-A-G. GRCh37 (hg19) VCF-style: chr11-77835177-A-G.
Other names: c.258T>C, p.Asp86= (NM_001007027.3, NM_001425220.1, NM_001425221.1 and 14 more transcripts); c.261T>C, p.Asp87= (NM_001425219.1); c.105T>C, p.Asp35= (NM_001425226.1, NM_001425235.1, NM_001425236.1); c.-7T>C (NM_001425234.1, NM_001425239.1); c.-255T>C (NM_001425241.1); c.-293T>C (NM_001425242.1).
Identifiers: ClinVar variation 3049453 (VCV003049453.2), dbSNP rs2497114859, ClinGen allele CA476002235.
Genomic context (GRCh38, chr11:78,124,131, plus strand): 5'-CTGGAAAAGTAAGGTCCTTGAGCTGGAGTAATTCAAATTATGGACATTCAGCATTTCTTG[A>G]TCAAAATATTTGGCAACATGTGACAGGATATACTCAAACCATGCAAAGAAAGGGGGGTAA-3'
Protein context (NP_076984.2, residues 76-96): YILSHVAKYF[Asp86=]QEMLNVHNLN